The following is an entry in ClinVar:

NM_003104.6(SORD):c.328C>T (p.Arg110Ter)

Gene: SORD (sorbitol dehydrogenase; plus strand). Cytogenetic location: 15q21.1.
Variant type: single nucleotide variant.
Coding change: c.328C>T on transcript NM_003104.6 (MANE Select); coding-DNA position 328, C replaced by T.
Protein change: p.Arg110Ter; replaces arginine 110 with a stop codon.
Molecular consequence: nonsense. On other transcripts: non-coding transcript variant (1).
Genome position (GRCh38, 1-based): chr15:45,061,129, C>T. VCF-style: chr15-45061129-C-T. GRCh37 (hg19) VCF-style: chr15-45353327-C-T.
Other names: c.328C>T (NM_003104.5); short protein forms R110*.
Identifiers: ClinVar variation 1275801 (VCV001275801.36), dbSNP rs745509632, ClinGen allele CA7537141.

ClinVar aggregate classification (germline): Conflicting classifications of pathogenicity. Review status: criteria provided, conflicting classifications (1 of 4 stars). 5 submissions from 5 submitters: Pathogenic (4); Uncertain significance (1). Last evaluated 2024-01-26.

Conditions:
Neuronopathy, distal hereditary motor, autosomal recessive 8. Also called: NEUROPATHY, DISTAL HEREDITARY MOTOR, AUTOSOMAL RECESSIVE 8; SORBITOL DEHYDROGENASE DEFICIENCY WITH PERIPHERAL NEUROPATHY; SORBITOL DEHYDROGENASE DEFICIENCY. Identifiers: Orphanet 700508, MedGen C5394466, MONDO:0030055, OMIM 618912.

Allele frequency attached by ClinVar (database versions not stated): gnomAD 0.00003; ExAC 0.00004; gnomAD exomes 0.00004.

Submissions (5):

GeneDx
Classification: Pathogenic. Last evaluated: 2024-01-26. Review status: criteria provided, single submitter. Criteria: GeneDx Variant Classification Process June 2021. Collection method: clinical testing. Allele origin: germline. Affected: yes.
Comment: Nonsense variant predicted to result in protein truncation or nonsense mediated decay in a gene for which loss of function is a known mechanism of disease; Has not been previously published as pathogenic or benign to our knowledge

Revvity Omics, Revvity
Classification: Uncertain significance for Neuronopathy, distal hereditary motor, autosomal recessive 8. Last evaluated: 2023-09-21. Review status: criteria provided, single submitter. Criteria: ACMG Guidelines, 2015. Collection method: clinical testing. Allele origin: germline.

CeGaT Center for Human Genetics Tuebingen
Classification: Pathogenic. Last evaluated: 2022-09-01. Review status: criteria provided, single submitter. Criteria: CeGaT Center For Human Genetics Tuebingen Variant Classification Criteria Version 2. Collection method: clinical testing. Allele origin: germline. Affected: yes. Observed: 1 variant allele.
Comment: SORD: PVS1, PM2

MGZ Medical Genetics Center
Classification: Pathogenic for Neuronopathy, distal hereditary motor, autosomal recessive 8. Last evaluated: 2022-04-21. Review status: criteria provided, single submitter. Criteria: ACMG Guidelines, 2015. Collection method: clinical testing. Allele origin: germline. Affected: yes. Observed: 1 variant allele.
Comment: ACMG criteria applied: PVS1, PM2_SUP, PM3_SUP

Institute of Medical Genetics and Applied Genomics, University Hospital Tübingen
Classification: Pathogenic. Last evaluated: 2021-09-15. Review status: criteria provided, single submitter. Criteria: ACMG Guidelines, 2015. Collection method: clinical testing. Allele origin: germline. Inheritance: Autosomal recessive inheritance. Affected: yes.